The following is an entry in ClinVar:

ClinVar aggregate classification (germline): Likely benign (1 of 4 stars; one submission).

Conditions:
Alagille syndrome due to a JAG1 point mutation. Also called: JAG1-Related Alagille Syndrome; HEPATIC DUCTULAR HYPOPLASIA, SYNDROMATIC; Alagille Syndrome 1. Identifiers: Orphanet 261619, Orphanet 52, MedGen C1956125, MONDO:0016862, OMIM 118450.

Submissions (2):

Labcorp Genetics (formerly Invitae), Labcorp
Classification: Likely benign for Alagille syndrome due to a JAG1 point mutation. Last evaluated: 2023-10-05. Review status: criteria provided, single submitter. Criteria: Invitae Variant Classification Sherloc (09022015). Collection method: clinical testing. Allele origin: germline.

Gilbert/Spinner Lab, Children's Hospital of Philadelphia
No classification provided (evidence only). Condition: Alagille syndrome. Review status: no classification provided. Collection method: research. Allele origin: not applicable. Functional consequence: functionally_abnormal. Not counted in ClinVar's aggregate classification.
ClinVar note: "not provided" was previously submitted as the classification for the variant. However, the classification appeared to be based only on an observation of functional data so it was converted to no classification on 2025-07-30.

NM_000214.3(JAG1):c.729G>A (p.Gly243=)

Gene: JAG1 (jagged canonical Notch ligand 1; minus strand). Cytogenetic location: 20p12.2.
Variant type: single nucleotide variant.
Coding change: c.729G>A on transcript NM_000214.3 (MANE Select); coding-DNA position 729, G replaced by A.
Protein change: p.Gly243=; no amino-acid change (glycine 243 retained).
Molecular consequence: synonymous variant.
Genome position (GRCh38, 1-based): chr20:10,656,424, C>T on the plus strand (G>A on the coding strand, the complement: JAG1 is on the minus strand). VCF-style: chr20-10656424-C-T. GRCh37 (hg19) VCF-style: chr20-10637072-C-T.
Identifiers: ClinVar variation 2992868 (VCV002992868.5), dbSNP rs2514524449, ClinGen allele CA509662083.